The following is an entry in ClinVar:

ClinVar aggregate classification (germline): Uncertain significance. Review status: criteria provided, multiple submitters, no conflicts (2 of 4 stars). 2 submissions from 2 submitters: Uncertain significance (2). Last evaluated 2025-10-01.

Conditions:
ELP2-related disorder. Also called: ELP2-Related Disorders; ELP2-related condition.
Inborn genetic diseases. Identifiers: MedGen C0950123, MeSH D030342.

Allele frequency attached by ClinVar (database versions not stated): ExAC 0.00001; gnomAD 0.00001; gnomAD exomes 0.00002; 1000 Genomes Project 30x 0.00016; 1000 Genomes Project 0.00020.
gnomAD v4.1: 26 of 1,611,766 alleles (0.0016%); highest among the groups gnomAD compares: Non-Finnish European, 0.002%; no homozygotes.

Submissions (2):

PreventionGenetics, part of Exact Sciences
Classification: Uncertain significance for ELP2-related condition. Last evaluated: 2025-10-01. Review status: criteria provided, single submitter. Criteria: ACMG Guidelines, 2015. Collection method: clinical testing. Allele origin: germline.
Comment: The ELP2 c.2417C>T variant is predicted to result in the amino acid substitution p.Ala806Val. To our knowledge, this variant has not been reported in the literature. This variant is reported in 0.00088% of alleles in individuals of European (Non-Finnish) descent in gnomAD. At this time, the clinical significance of this variant is uncertain due to the absence of conclusive functional and genetic evidence.

Ambry Genetics
Classification: Uncertain significance for Inborn genetic diseases. Last evaluated: 2024-10-08. Review status: criteria provided, single submitter. Criteria: Ambry Variant Classification Scheme 2023. Collection method: clinical testing. Allele origin: germline.

NM_018255.4(ELP2):c.2222C>T (p.Ala741Val)

Gene: ELP2 (elongator acetyltransferase complex subunit 2; plus strand). Cytogenetic location: 18q12.2.
Variant type: single nucleotide variant.
Coding change: c.2222C>T on transcript NM_018255.4 (MANE Select); coding-DNA position 2222, C replaced by T.
Protein change: p.Ala741Val; replaces alanine 741 with valine.
Molecular consequence: missense variant. On other transcripts: non-coding transcript variant (4).
Genome position (GRCh38, 1-based): chr18:36,171,058, C>T. VCF-style: chr18-36171058-C-T. GRCh37 (hg19) VCF-style: chr18-33751021-C-T.
Other names: c.2417C>T, p.Ala806Val (NM_001242875.3); c.2207C>T, p.Ala736Val (NM_001242876.3); c.2144C>T, p.Ala715Val (NM_001242877.3); c.2012C>T, p.Ala671Val (NM_001242878.3, NM_001242879.3); c.2090C>T, p.Ala697Val (NM_001324465.2); c.2339C>T, p.Ala780Val (NM_001324466.2); c.2072C>T, p.Ala691Val (NM_001324467.2); c.1775C>T, p.Ala592Val (NM_001324468.2); and 1 more; short protein forms A592V, A671V, A691V, A697V, A715V, A736V, A741V, A780V.
Identifiers: ClinVar variation 2633391 (VCV002633391.3), dbSNP rs55806818, ClinGen allele CA8940205.